The following is an entry in ClinVar:

ClinVar aggregate classification (germline): Uncertain significance (1 of 4 stars; one submission).

gnomAD v4.1: 1 of 1,613,650 alleles (0.000062%); highest among the groups gnomAD compares: Non-Finnish European, 0.000085%; no homozygotes.

Submission:

GeneDx
Classification: Uncertain significance. Last evaluated: 2024-09-26. Review status: criteria provided, single submitter. Criteria: GeneDx Variant Classification Process June 2021. Collection method: clinical testing. Allele origin: germline. Affected: yes.
Comment: Not observed at significant frequency in large population cohorts (gnomAD); In silico analysis supports that this missense variant has a deleterious effect on protein structure/function; Has not been previously published as pathogenic or benign to our knowledge

NM_206933.4(USH2A):c.5384A>G (p.Tyr1795Cys)

Genes: USH2A-AS2 (USH2A antisense RNA 2; plus strand), USH2A (usherin; minus strand). Cytogenetic location: 1q41.
Variant type: single nucleotide variant.
Coding change: c.5384A>G on transcript NM_206933.4 (MANE Select); coding-DNA position 5384, A replaced by G.
Protein change: p.Tyr1795Cys; replaces tyrosine 1795 with cysteine.
Molecular consequence: missense variant.
Genome position (GRCh38, 1-based): chr1:216,078,277, T>C on the plus strand (A>G on the coding strand, the complement: USH2A is on the minus strand). VCF-style: chr1-216078277-T-C. GRCh37 (hg19) VCF-style: chr1-216251619-T-C.
Other names: short protein forms Y1795C.
Identifiers: ClinVar variation 3774715 (VCV003774715.1).